The following is an entry in ClinVar:

ClinVar aggregate classification (germline): Uncertain significance (1 of 4 stars; one submission).

Conditions:
POLD1-related polyposis and colorectal cancer syndrome (CRCS10). Also called: Colorectal cancer 10; COLORECTAL CANCER, SUSCEPTIBILITY TO, ON CHROMOSOME 19q; Colorectal cancer, susceptibility to, 10. Identifiers: Orphanet 220460, MedGen C2675481, MONDO:0012953, OMIM 612591.

Submission:

Labcorp Genetics (formerly Invitae), Labcorp
Classification: Uncertain significance for POLD1-related polyposis and colorectal cancer syndrome. Last evaluated: 2024-06-23. Review status: criteria provided, single submitter. Criteria: Invitae Variant Classification Sherloc (09022015). Collection method: clinical testing. Allele origin: germline.
Comment: This sequence change replaces methionine, which is neutral and non-polar, with isoleucine, which is neutral and non-polar, at codon 161 of the POLD1 protein (p.Met161Ile). This variant is not present in population databases (gnomAD no frequency). This variant has not been reported in the literature in individuals affected with POLD1-related conditions. Advanced modeling of protein sequence and biophysical properties (such as structural, functional, and spatial information, amino acid conservation, physicochemical variation, residue mobility, and thermodynamic stability) performed at Invitae indicates that this missense variant is not expected to disrupt POLD1 protein function with a negative predictive value of 80%. In summary, the available evidence is currently insufficient to determine the role of this variant in disease. Therefore, it has been classified as a Variant of Uncertain Significance.

NM_002691.4(POLD1):c.483G>A (p.Met161Ile)

Gene: POLD1 (DNA polymerase delta 1, catalytic subunit; plus strand). Cytogenetic location: 19q13.33.
Variant type: single nucleotide variant.
Coding change: c.483G>A on transcript NM_002691.4 (MANE Select); coding-DNA position 483, G replaced by A.
Protein change: p.Met161Ile; replaces methionine 161 with isoleucine.
Molecular consequence: missense variant. On other transcripts: non-coding transcript variant (1).
Genome position (GRCh38, 1-based): chr19:50,402,018, G>A. VCF-style: chr19-50402018-G-A. GRCh37 (hg19) VCF-style: chr19-50905275-G-A.
Other names: c.483G>A, p.Met161Ile (NM_001256849.1, NM_001308632.1); short protein forms M161I.
Identifiers: ClinVar variation 3699828 (VCV003699828.2).